The following is an entry in ClinVar:

ClinVar aggregate classification (germline): Uncertain significance (1 of 4 stars; one submission).

Allele frequency attached by ClinVar (database versions not stated): ExAC 0.00006; TOPMed 0.00008; ESP Exome Variant Server 0.00022.

Submission:

Labcorp Genetics (formerly Invitae), Labcorp
Classification: Uncertain significance. Last evaluated: 2022-05-28. Review status: criteria provided, single submitter. Criteria: Invitae Variant Classification Sherloc (09022015). Collection method: clinical testing. Allele origin: germline.
Comment: Algorithms developed to predict the effect of missense changes on protein structure and function are either unavailable or do not agree on the potential impact of this missense change (SIFT: "Deleterious"; PolyPhen-2: "Probably Damaging"; Align-GVGD: "Class C0"). In summary, the available evidence is currently insufficient to determine the role of this variant in disease. Therefore, it has been classified as a Variant of Uncertain Significance. ClinVar contains an entry for this variant (Variation ID: 1037878). This variant has not been reported in the literature in individuals affected with FSCN2-related conditions. This variant is present in population databases (rs376328590, gnomAD 0.009%). This sequence change replaces isoleucine, which is neutral and non-polar, with threonine, which is neutral and polar, at codon 296 of the FSCN2 protein (p.Ile296Thr).

NM_012418.4(FSCN2):c.887T>C (p.Ile296Thr)

Gene: FSCN2 (fascin actin-bundling protein 2, retinal; plus strand). Cytogenetic location: 17q25.3.
Variant type: single nucleotide variant.
Coding change: c.887T>C on transcript NM_012418.4 (MANE Select); coding-DNA position 887, T replaced by C.
Protein change: p.Ile296Thr; replaces isoleucine 296 with threonine.
Molecular consequence: missense variant.
Genome position (GRCh38, 1-based): chr17:81,535,112, T>C. VCF-style: chr17-81535112-T-C. GRCh37 (hg19) VCF-style: chr17-79502138-T-C.
Other names: c.887T>C, p.Ile296Thr (NM_001077182.3); short protein forms I296T.
Identifiers: ClinVar variation 1037878 (VCV001037878.8), dbSNP rs376328590, ClinGen allele CA8836896.